The following is an entry in ClinVar:

NM_005591.4(MRE11):c.851T>C (p.Val284Ala)

Gene: MRE11 (MRE11 double strand break repair nuclease; minus strand). Cytogenetic location: 11q21.
Variant type: single nucleotide variant.
Coding change: c.851T>C on transcript NM_005591.4 (MANE Select); coding-DNA position 851, T replaced by C.
Protein change: p.Val284Ala; replaces valine 284 with alanine.
Molecular consequence: missense variant.
Genome position (GRCh38, 1-based): chr11:94,470,637, A>G on the plus strand (T>C on the coding strand, the complement: MRE11 is on the minus strand). VCF-style: chr11-94470637-A-G. GRCh37 (hg19) VCF-style: chr11-94203803-A-G.
Other names: c.851T>C, p.Val284Ala (NM_001330347.2, NM_005590.4); short protein forms V284A.
Identifiers: ClinVar variation 3874321 (VCV003874321.1).

ClinVar aggregate classification (germline): Uncertain significance (1 of 4 stars; one submission).

Conditions:
Hereditary cancer-predisposing syndrome. Also called: Tumor predisposition; Neoplastic Syndromes, Hereditary; Hereditary Cancer Syndrome; Hereditary neoplastic syndrome. Identifiers: Orphanet 140162, MedGen C0027672, MeSH D009386, MONDO:0015356.

Submission:

Ambry Genetics
Classification: Uncertain significance for Hereditary cancer-predisposing syndrome. Last evaluated: 2025-01-06. Review status: criteria provided, single submitter. Criteria: Ambry Variant Classification Scheme 2023. Collection method: clinical testing. Allele origin: germline.
Comment: The p.V284A variant (also known as c.851T>C), located in coding exon 8 of the MRE11A gene, results from a T to C substitution at nucleotide position 851. The valine at codon 284 is replaced by alanine, an amino acid with similar properties. This amino acid position is conserved. In addition, the in silico prediction for this alteration is inconclusive. Based on the available evidence, the clinical significance of this variant remains unclear.